The following is an entry in ClinVar:

NM_000063.6(C2):c.685G>A (p.Gly229Arg)

Gene: C2 (complement C2; plus strand). Cytogenetic location: 6p21.33.
Variant type: single nucleotide variant.
Coding change: c.685G>A on transcript NM_000063.6 (MANE Select); coding-DNA position 685, G replaced by A.
Protein change: p.Gly229Arg; replaces glycine 229 with arginine.
Molecular consequence: missense variant. On other transcripts: intron variant (1).
Genome position (GRCh38, 1-based): chr6:31,933,935, G>A. VCF-style: chr6-31933935-G-A. GRCh37 (hg19) VCF-style: chr6-31901712-G-A.
Other names: c.289G>A, p.Gly97Arg (NM_001145903.3); c.316G>A, p.Gly106Arg (NM_001178063.3); c.598G>A, p.Gly200Arg (NM_001282458.2); c.685G>A, p.Gly229Arg (NM_001282459.2); c.111+152G>A (NM_001282457.2); short protein forms G106R, G200R, G229R, G97R.
Identifiers: ClinVar variation 1483794 (VCV001483794.6), dbSNP rs2151754059, ClinGen allele CA363366502.
Genomic context (GRCh38, chr6:31,933,935, plus strand): 5'-TCTTATGACTTCCCTGAGGACGTGGCCCCTGCCCTGGGCACTTCCTTCTCCCACATGCTT[G>A]GGGCCACCAATCCCACCCAGAAGACAAAGGGTGAGTGTTTGAGGTGGGGTTTCTGGTTGA-3'
Protein context (NP_000054.2, residues 219-239): ALGTSFSHML[Gly229Arg]ATNPTQKTKE

ClinVar aggregate classification (germline): Uncertain significance (1 of 4 stars; one submission).

Submission:

Labcorp Genetics (formerly Invitae), Labcorp
Classification: Uncertain significance. Last evaluated: 2022-07-05. Review status: criteria provided, single submitter. Criteria: Invitae Variant Classification Sherloc (09022015). Collection method: clinical testing. Allele origin: germline.
Comment: In summary, the available evidence is currently insufficient to determine the role of this variant in disease. Therefore, it has been classified as a Variant of Uncertain Significance. Algorithms developed to predict the effect of sequence changes on RNA splicing suggest that this variant may create or strengthen a splice site. Algorithms developed to predict the effect of missense changes on protein structure and function are either unavailable or do not agree on the potential impact of this missense change (SIFT: "Deleterious"; PolyPhen-2: "Benign"; Align-GVGD: "Class C25"). ClinVar contains an entry for this variant (Variation ID: 1483794). This variant has not been reported in the literature in individuals affected with C2-related conditions. This variant is not present in population databases (gnomAD no frequency). This sequence change replaces glycine, which is neutral and non-polar, with arginine, which is basic and polar, at codon 229 of the C2 protein (p.Gly229Arg).